The following is an entry in ClinVar:

ClinVar aggregate classification (germline): Likely benign. Review status: criteria provided, multiple submitters, no conflicts (2 of 4 stars). 2 submissions from 2 submitters: Likely benign (2). Last evaluated 2025-09-11.

Allele frequency attached by ClinVar (database versions not stated): gnomAD 0.00009; ExAC 0.00010; TOPMed 0.00011; gnomAD exomes 0.00014; ESP Exome Variant Server 0.00017.
gnomAD v4.1: 128 of 1,591,686 alleles (0.008%); highest among the groups gnomAD compares: Non-Finnish European, 0.0035%; no homozygotes.

Submissions (2):

Labcorp Genetics (formerly Invitae), Labcorp
Classification: Likely benign. Last evaluated: 2025-09-11. Review status: criteria provided, single submitter. Criteria: Invitae Variant Classification Sherloc (09022015). Collection method: clinical testing. Allele origin: germline.

Mayo Clinic Laboratories, Mayo Clinic
Classification: Likely benign. Last evaluated: 2025-02-05. Review status: criteria provided, single submitter. Criteria: ACMG Guidelines, 2015. Collection method: clinical testing. Allele origin: germline. Observed: 1 variant allele.
Comment: BS1, BP4

NM_005876.5(SPEG):c.9743G>A (p.Arg3248His)

Genes: ASIC4-AS1 (ASIC4 antisense RNA 1; minus strand), SPEG (striated muscle enriched protein kinase; plus strand). Cytogenetic location: 2q35.
Variant type: single nucleotide variant.
Coding change: c.9743G>A on transcript NM_005876.5 (MANE Select); coding-DNA position 9743, G replaced by A.
Protein change: p.Arg3248His; replaces arginine 3248 with histidine.
Molecular consequence: missense variant.
Genome position (GRCh38, 1-based): chr2:219,492,725, G>A. VCF-style: chr2-219492725-G-A. GRCh37 (hg19) VCF-style: chr2-220357447-G-A.
Other names: p.Arg3248His; short protein forms R3248H.
Identifiers: ClinVar variation 754605 (VCV000754605.9), dbSNP rs201626656, ClinGen allele CA2127863.